The following is an entry in ClinVar:

ClinVar aggregate classification (germline): Likely pathogenic (1 of 4 stars; one submission).

Conditions:
COL2A1-related disorder. Also called: COL2A1-related condition; COL2A1-related disorders.

Submission:

PreventionGenetics, part of Exact Sciences
Classification: Likely pathogenic for COL2A1-related condition. Last evaluated: 2026-02-24. Review status: criteria provided, single submitter. Criteria: ACMG Guidelines, 2015. Collection method: clinical testing. Allele origin: germline.
Comment: The COL2A1 c.3518G>A variant is predicted to result in the amino acid substitution p.Gly1173Asp. To our knowledge, this variant has not been reported in the literature or in a large population database (gnomAD), indicating this variant is rare. This variant affects a glycine residue within the conserved triple‑helical domain of COL2A1 (amino acids 201–1214; UniProt P02458), where glycine substitutions are a well‑established disease mechanism (Barat-Houari et al. 2016. PubMed ID: 26626311). Furthermore, other substitutions affecting the same amino acid residue (p.Gly1173Ser, p.Gly1173Arg, and p.Gly1173Val) have been reported in individuals with COL2A1‑related conditions (Zhang et al. 2021. PubMed ID: 34088323; Sobetzko et al. 2000. PubMed ID: 10678662; Zheng et al. 2020. PubMed ID: 31972903). This variant is interpreted as likely pathogenic.

NM_001844.5(COL2A1):c.3518G>A (p.Gly1173Asp)

Gene: COL2A1 (collagen type II alpha 1 chain; minus strand). Cytogenetic location: 12q13.11.
Variant type: single nucleotide variant.
Coding change: c.3518G>A on transcript NM_001844.5 (MANE Select); coding-DNA position 3518, G replaced by A.
Protein change: p.Gly1173Asp; replaces glycine 1173 with aspartic acid.
Molecular consequence: missense variant.
Genome position (GRCh38, 1-based): chr12:47,976,042, C>T on the plus strand (G>A on the coding strand, the complement: COL2A1 is on the minus strand). VCF-style: chr12-47976042-C-T. GRCh37 (hg19) VCF-style: chr12-48369825-C-T.
Other names: c.3311G>A, p.Gly1104Asp (NM_033150.3); short protein forms G1173D, G1104D.
Identifiers: ClinVar variation 4995163 (VCV004995163.1).